The following is an entry in ClinVar:

ClinVar aggregate classification (germline): Uncertain significance. Review status: criteria provided, multiple submitters, no conflicts (2 of 4 stars). 3 submissions from 3 submitters: Uncertain significance (3). Last evaluated 2023-10-23.

Conditions:
Renal cell carcinoma. Identifiers: Orphanet 217071, MedGen C0007134, MeSH D002292, MONDO:0005086, HP:0005584.
Hereditary cancer-predisposing syndrome. Also called: Hereditary neoplastic syndrome; Neoplastic Syndromes, Hereditary; Tumor predisposition; Hereditary Cancer Syndrome. Identifiers: Orphanet 140162, MedGen C0027672, MeSH D009386, MONDO:0015356.

Submissions (3):

Ambry Genetics
Classification: Uncertain significance for Hereditary cancer-predisposing syndrome. Last evaluated: 2023-10-23. Review status: criteria provided, single submitter. Criteria: Ambry Variant Classification Scheme 2023. Collection method: clinical testing. Allele origin: germline.
Comment: The p.W757S variant (also known as c.2270G>C), located in coding exon 9 of the MET gene, results from a G to C substitution at nucleotide position 2270. The tryptophan at codon 757 is replaced by serine, an amino acid with highly dissimilar properties. This amino acid position is conserved. In addition, this alteration is predicted to be tolerated by in silico analysis. Since supporting evidence is limited at this time, the clinical significance of this alteration remains unclear.

Labcorp Genetics (formerly Invitae), Labcorp
Classification: Uncertain significance for Renal cell carcinoma. Last evaluated: 2023-10-05. Review status: criteria provided, single submitter. Criteria: Invitae Variant Classification Sherloc (09022015). Collection method: clinical testing. Allele origin: germline.
Comment: This sequence change replaces tryptophan, which is neutral and slightly polar, with serine, which is neutral and polar, at codon 757 of the MET protein (p.Trp757Ser). This variant is not present in population databases (gnomAD no frequency). This variant has not been reported in the literature in individuals affected with MET-related conditions. ClinVar contains an entry for this variant (Variation ID: 1318526). Algorithms developed to predict the effect of missense changes on protein structure and function output the following: SIFT: "Not Available"; PolyPhen-2: "Benign"; Align-GVGD: "Not Available". The serine amino acid residue is found in multiple mammalian species, which suggests that this missense change does not adversely affect protein function. In summary, the available evidence is currently insufficient to determine the role of this variant in disease. Therefore, it has been classified as a Variant of Uncertain Significance.

GeneDx
Classification: Uncertain significance. Last evaluated: 2021-03-19. Review status: criteria provided, single submitter. Criteria: GeneDx Variant Classification Process June 2021. Collection method: clinical testing. Allele origin: germline. Affected: yes.
Comment: Not observed in large population cohorts (Lek 2016); In silico analysis supports that this missense variant does not alter protein structure/function; Has not been previously published as pathogenic or benign to our knowledge

NM_000245.4(MET):c.2265-49G>C

Gene: MET (MET proto-oncogene, receptor tyrosine kinase; plus strand). Cytogenetic location: 7q31.2.
Variant type: single nucleotide variant.
Coding change: c.2265-49G>C on transcript NM_000245.4 (MANE Select); 49 bases into the intron before coding-DNA position 2265, G replaced by C.
Molecular consequence: intron variant. On other transcripts: missense variant (1).
Genome position (GRCh38, 1-based): chr7:116,759,342, G>C. VCF-style: chr7-116759342-G-C. GRCh37 (hg19) VCF-style: chr7-116399396-G-C.
Other names: c.2270G>C, p.Trp757Ser (NM_001127500.3); c.975-49G>C (NM_001324402.2); c.2265-49G>C (NM_001324401.3); short protein forms W757S.
Identifiers: ClinVar variation 1318526 (VCV001318526.8), dbSNP rs1196543273, ClinGen allele CA368981501.